The following is an entry in ClinVar:

NM_014233.4(UBTF):c.1925G>A (p.Arg642His)

Genes: ATXN7L3-AS1 (ATXN7L3 antisense RNA 1; plus strand), UBTF (upstream binding transcription factor; minus strand). Cytogenetic location: 17q21.31.
Variant type: single nucleotide variant.
Coding change: c.1925G>A on transcript NM_014233.4 (MANE Select); coding-DNA position 1925, G replaced by A.
Protein change: p.Arg642His; replaces arginine 642 with histidine.
Molecular consequence: missense variant. On other transcripts: non-coding transcript variant (1).
Genome position (GRCh38, 1-based): chr17:44,207,892, C>T on the plus strand (G>A on the coding strand, the complement: UBTF is on the minus strand). VCF-style: chr17-44207892-C-T. GRCh37 (hg19) VCF-style: chr17-42285260-C-T.
Other names: c.1814G>A, p.Arg605His (NM_001076683.2, NM_001076684.3); short protein forms R605H, R642H.
Identifiers: ClinVar variation 2637524 (VCV002637524.1), dbSNP rs1598214375, ClinGen allele CA399755325.

ClinVar aggregate classification (germline): Uncertain significance (1 of 4 stars; one submission).

Allele frequency attached by ClinVar (database versions not stated): gnomAD exomes 0.00001; TOPMed 0.00001.
gnomAD v4.1: 7 of 1,613,928 alleles (0.00043%); highest among the groups gnomAD compares: East Asian, 0.0022%; no homozygotes.

Submission:

Women's Health and Genetics/Laboratory Corporation of America, LabCorp
Classification: Uncertain significance. Last evaluated: 2023-10-27. Review status: criteria provided, single submitter. Criteria: LabCorp Variant Classification Summary - May 2015. Collection method: clinical testing. Allele origin: germline.
Comment: Variant summary: UBTF c.1925G>A (p.Arg642His) results in a non-conservative amino acid change in the encoded protein sequence. Three of five in-silico tools predict a benign effect of the variant on protein function. The variant was absent in 248954 control chromosomes. The available data on variant occurrences in the general population are insufficient to allow any conclusion about variant significance. To our knowledge, no occurrence of c.1925G>A in individuals affected with Childhood-Onset Motor And Cognitive Regression Syndrome With Extrapyramidal Movement Disorder and no experimental evidence demonstrating its impact on protein function have been reported. No submitters have cited clinical-significance assessments for this variant to ClinVar after 2014. Based on the evidence outlined above, the variant was classified as uncertain significance.